The following is an entry in ClinVar:

ClinVar aggregate classification (germline): Pathogenic (1 of 4 stars; one submission).

Conditions:
X-linked Opitz G/BBB syndrome (GBBB). Also called: OPITZ BBBG SYNDROME, TYPE I; OPITZ SYNDROME, X-LINKED; OPITZ-G SYNDROME, TYPE I; Opitz-Frias syndrome; MID1-Related Opitz G/BBB Syndrome. Identifiers: Orphanet 2745, MedGen C2936904, MONDO:0010222, OMIM 300000.

Submission:

MVZ Medizinische Genetik Mainz
Classification: Pathogenic for X-linked Opitz G/BBB syndrome. Last evaluated: 2023-10-31. Review status: criteria provided, single submitter. Criteria: UK Practice Guidelines For Variant Classification V4 01 2020. Collection method: clinical testing. Allele origin: germline. Inheritance: X-linked dominant inheritance. Affected: yes. Observed: 1 variant allele.
Comment: ACMG Criteria: PVS1,PM6, PM2_SUP

NM_000381.4(MID1):c.671_674del (p.Glu224fs)

Gene: MID1 (midline 1; minus strand). Cytogenetic location: Xp22.2.
Variant type: Microsatellite.
Coding change: c.671_674del on transcript NM_000381.4 (MANE Select); coding-DNA positions 671 to 674, 4 bases deleted (AGAG; older notation c.671_674delAGAG).
Protein change: p.Glu224fs; shifts the reading frame from glutamic acid 224.
Molecular consequence: frameshift variant.
Genome position (GRCh38, 1-based): chrX:10,523,174-10,523,177, CTCT deleted on the plus strand (AGAG on the coding strand, the reverse complement: MID1 is on the minus strand); deleting any 4 consecutive bases within chrX:10,523,174-10,523,179 gives the same sequence; the c. name uses the placement nearest the transcript's 3' end. VCF-style (leftmost placement, unchanged base first): chrX-10523173-ACTCT-A. GRCh37 (hg19) VCF-style: chrX-10491213-ACTCT-A.
Other names: c.671_674del, p.Glu224fs (NM_001098624.2, NM_001193277.1, NM_001193278.1 and 3 more transcripts); c.557_560del, p.Glu186fs (NM_001193280.1, NM_033289.2); short protein forms E186fs, E224fs.
Identifiers: ClinVar variation 3235986 (VCV003235986.1), dbSNP rs2147369813, ClinGen allele CA2825002893.